The following is an entry in ClinVar:

ClinVar aggregate classification (germline): Uncertain significance. Review status: criteria provided, multiple submitters, no conflicts (2 of 4 stars). 2 submissions from 2 submitters: Uncertain significance (2). Last evaluated 2021-10-27.

Conditions:
Nephronophthisis. Also called: Juvenile Nephronophthisis. Identifiers: Orphanet 655, MedGen C0687120, MONDO:0019005, HP:0000090.

Allele frequency attached by ClinVar (database versions not stated): gnomAD exomes below 0.00001; TOPMed 0.00001.
gnomAD v4.1: 1 of 1,611,232 alleles (0.000062%); highest among the groups gnomAD compares: Non-Finnish European, 0.000085%; no homozygotes.

Submissions (2):

Blueprint Genetics
Classification: Uncertain significance. Last evaluated: 2021-10-27. Review status: criteria provided, single submitter. Criteria: ACMG Guidelines, 2015. Collection method: clinical testing. Allele origin: germline.

Labcorp Genetics (formerly Invitae), Labcorp
Classification: Uncertain significance for Nephronophthisis. Last evaluated: 2019-08-13. Review status: criteria provided, single submitter. Criteria: Invitae Variant Classification Sherloc (09022015). Collection method: clinical testing. Allele origin: germline.
Comment: This variant is not present in population databases (ExAC no frequency). This sequence change replaces cysteine with arginine at codon 1240 of the NPHP4 protein (p.Cys1240Arg). The cysteine residue is highly conserved and there is a large physicochemical difference between cysteine and arginine. In summary, the available evidence is currently insufficient to determine the role of this variant in disease. Therefore, it has been classified as a Variant of Uncertain Significance. Algorithms developed to predict the effect of missense changes on protein structure and function are either unavailable or do not agree on the potential impact of this missense change (SIFT: "Deleterious"; PolyPhen-2: "Probably Damaging"; Align-GVGD: "Class C0"). This variant has not been reported in the literature in individuals with NPHP4-related conditions.

NM_015102.5(NPHP4):c.3718T>C (p.Cys1240Arg)

Gene: NPHP4 (nephrocystin 4; minus strand). Cytogenetic location: 1p36.31.
Variant type: single nucleotide variant.
Coding change: c.3718T>C on transcript NM_015102.5 (MANE Select); coding-DNA position 3718, T replaced by C.
Protein change: p.Cys1240Arg; replaces cysteine 1240 with arginine.
Molecular consequence: missense variant. On other transcripts: non-coding transcript variant (1).
Genome position (GRCh38, 1-based): chr1:5,865,200, A>G on the plus strand (T>C on the coding strand, the complement: NPHP4 is on the minus strand). VCF-style: chr1-5865200-A-G. GRCh37 (hg19) VCF-style: chr1-5925260-A-G.
Other names: c.2179T>C, p.Cys727Arg (NM_001291593.2); c.2182T>C, p.Cys728Arg (NM_001291594.2); short protein forms C727R, C728R, C1240R.
Identifiers: ClinVar variation 867140 (VCV000867140.12), dbSNP rs1028037857, ClinGen allele CA17125435.